The following is an entry in ClinVar:

NM_001845.6(COL4A1):c.3761G>A (p.Gly1254Glu)

Gene: COL4A1 (collagen type IV alpha 1 chain; minus strand). Cytogenetic location: 13q34.
Variant type: single nucleotide variant.
Coding change: c.3761G>A on transcript NM_001845.6 (MANE Select); coding-DNA position 3761, G replaced by A.
Protein change: p.Gly1254Glu; replaces glycine 1254 with glutamic acid.
Molecular consequence: missense variant.
Genome position (GRCh38, 1-based): chr13:110,169,744, C>T on the plus strand (G>A on the coding strand, the complement: COL4A1 is on the minus strand). VCF-style: chr13-110169744-C-T. GRCh37 (hg19) VCF-style: chr13-110822091-C-T.
Other names: short protein forms G1254E.
Identifiers: ClinVar variation 1299527 (VCV001299527.3), dbSNP rs2139154554, ClinGen allele CA388662028.

ClinVar aggregate classification (germline): Pathogenic (1 of 4 stars; one submission).

Conditions:
Brain small vessel disease 1 with or without ocular anomalies (BSVD1). Also called: GOULD SYNDROME 1; BRAIN SMALL VESSEL DISEASE WITH HEMORRHAGE; PORENCEPHALY, TYPE 1, AUTOSOMAL DOMINANT; Brain small vessel disease with or without ocular anomalies. Identifiers: Orphanet 2940, Orphanet 36383, Orphanet 99810, MedGen C4755307, MONDO:0008289, OMIM 175780.

Submission:

Laboratory of Medical Genetics, National & Kapodistrian University of Athens
Classification: Pathogenic for Brain small vessel disease 1 with or without ocular anomalies. Last evaluated: 2021-08-10. Review status: criteria provided, single submitter. Criteria: ACMG Guidelines, 2015. Collection method: clinical testing. Allele origin: de novo. Affected: yes.
Comment: PS2, PM1, PM2, PM5, PP2, PP3